The following is an entry in ClinVar:

NM_001358921.2(COQ2):c.170G>C (p.Ser57Thr)

Genes: COQ2 (coenzyme Q2, polyprenyltransferase; minus strand), LOC112997540 (Sharpr-MPRA regulatory region 13773; plus strand). Cytogenetic location: 4q21.23.
Variant type: single nucleotide variant.
Coding change: c.170G>C on transcript NM_001358921.2 (MANE Select); coding-DNA position 170, G replaced by C.
Protein change: p.Ser57Thr; replaces serine 57 with threonine.
Molecular consequence: missense variant.
Genome position (GRCh38, 1-based): chr4:83,284,595, C>G on the plus strand (G>C on the coding strand, the complement: COQ2 is on the minus strand). VCF-style: chr4-83284595-C-G. GRCh37 (hg19) VCF-style: chr4-84205748-C-G.
Other names: p.Ser107Thr; c.320G>C (NM_015697.8); c.320G>C, p.Ser107Thr (NM_015697.9); short protein forms S107T, S57T.
Identifiers: ClinVar variation 559292 (VCV000559292.55), dbSNP rs550949678, ClinGen allele CA2988667.
Genomic context (GRCh38, chr4:83,284,595, plus strand): 5'-AGGCGCAAGTACGGCTGCAGGGGGCGGGGCGCAGAGTCCACCACCGCCGCCGCGGACAAA[C>G]TGAGCTGGCGCCCGCGCGGCTCGGGACAGGCGGGGGGCTGCAAGTCACCACCGTGGGGCG-3'
Protein context (NP_001345850.1, residues 47-67): ACPEPRGRQL[Ser57Thr]LSAAAVVDSA

ClinVar aggregate classification (germline): Conflicting classifications of pathogenicity. Review status: criteria provided, conflicting classifications (1 of 4 stars). 9 submissions from 9 submitters: Uncertain significance (1); Likely benign (6). 2 of the submissions do not count toward it. Last evaluated 2026-09-01.

Conditions:
Coenzyme Q10 deficiency, primary, 1. Also called: UBIQUINONE DEFICIENCY 1; COENZYME Q DEFICIENCY 1; CoQ DEFICIENCY 1. Identifiers: Orphanet 255249, MedGen C3551954, MONDO:0011829, OMIM 607426.
COQ2-related disorder. Also called: COQ2-related condition.

Allele frequency attached by ClinVar (database versions not stated): ExAC 0.00121; TOPMed 0.00133; 1000 Genomes Project 0.00020; 1000 Genomes Project 30x 0.00047; gnomAD 0.00099 and 0.00102; gnomAD exomes 0.00116.
gnomAD v4.1: 1,529 of 1,542,226 alleles (0.099%); highest among the groups gnomAD compares: Middle Eastern, 0.6%; 3 homozygotes.

Submissions (9):

CeGaT Center for Human Genetics Tuebingen
Classification: Likely benign. Last evaluated: 2026-09-01. Review status: criteria provided, single submitter. Criteria: CeGaT Center For Human Genetics Tuebingen Variant Classification Criteria Version 2. Collection method: clinical testing. Allele origin: germline. Affected: yes. Observed: 5 variant alleles.
Comment: COQ2: BS1

Labcorp Genetics (formerly Invitae), Labcorp
Classification: Likely benign. Last evaluated: 2026-02-01. Review status: criteria provided, single submitter. Criteria: Invitae Variant Classification Sherloc (09022015). Collection method: clinical testing. Allele origin: germline.

Mayo Clinic Laboratories, Mayo Clinic
Classification: Uncertain significance. Last evaluated: 2025-09-17. Review status: criteria provided, single submitter. Criteria: ACMG Guidelines, 2015. Collection method: clinical testing. Allele origin: germline. Observed: 9 variant alleles.
Comment: BS1, BP4

Women's Health and Genetics/Laboratory Corporation of America, LabCorp
Classification: Likely benign. Last evaluated: 2025-01-14. Review status: criteria provided, single submitter. Criteria: LabCorp Variant Classification Summary - May 2015. Collection method: clinical testing. Allele origin: germline.
Comment: Variant summary: COQ2 c.320G>C (p.Ser107Thr) results in a conservative amino acid change in the encoded protein sequence. Four of five in-silico tools predict a benign effect of the variant on protein function. The variant allele was found at a frequency of 0.00099 in 1542226 control chromosomes in the gnomAD database, including 3 homozygotes. c.320G>C has been reported in the literature in the heterozygous state in individuals affected with Multiple-System Atrophy, but also in at least one healthy control individual (e.g. Mitsui_2013, Jeon_2014, Sharma_2014). To our knowledge no occurrences of the variant have been reported in individuals affected with Primary Coenzyme Q10 Deficiency. Therefore, these reports do not provide unequivocal conclusions about association of the variant with Primary Coenzyme Q10 Deficiency. At least one publication reports experimental evidence evaluating an impact on protein function, however, does not allow convincing conclusions about the variant effect (Mitsuni_2013). The following publications have been ascertained in the context of this evaluation (PMID: 23758206, 24988567, 24988568). ClinVar contains an entry for this variant (Variation ID: 559292). Based on the evidence outlined above, the variant was classified as likely benign.

Blueprint Genetics
Classification: Likely benign. Last evaluated: 2024-11-25. Review status: criteria provided, single submitter. Criteria: ACMG Guidelines, 2015. Collection method: clinical testing. Allele origin: germline.

GeneDx
Classification: Likely benign. Last evaluated: 2021-03-01. Review status: criteria provided, single submitter. Criteria: GeneDx Variant Classification Process June 2021. Collection method: clinical testing. Allele origin: germline. Affected: yes.
Comment: This variant is associated with the following publications: (PMID: 25078619, 24988568, 24988567, 23758206)

Breakthrough Genomics
Classification: Likely benign. Review status: criteria provided, single submitter. Criteria: ACMG Guidelines, 2015. Collection method: not provided. Allele origin: germline. Inheritance: Autosomal recessive inheritance. Affected: yes.

PreventionGenetics, part of Exact Sciences
Classification: Likely benign for COQ2-related condition. Last evaluated: 2022-05-22. Review status: no assertion criteria provided. Collection method: clinical testing. Allele origin: germline. Not counted in ClinVar's aggregate classification.
Comment: This variant is classified as likely benign based on ACMG/AMP sequence variant interpretation guidelines (Richards et al. 2015 PMID: 25741868, with internal and published modifications).

Genomics England Pilot Project, Genomics England
Classification: Likely pathogenic for Coenzyme Q10 deficiency, primary, 1. Review status: flagged submission. Criteria: ACGS Guidelines, 2016. Collection method: clinical testing. Allele origin: germline. Affected: yes. Not counted in ClinVar's aggregate classification.
ClinVar note: Reason: Outlier claim with insufficient supporting evidence

Literature cited by the submitters: PubMed 23758206 (cited by Mayo Clinic Laboratories, Mayo Clinic); PubMed 24988567 (cited by Mayo Clinic Laboratories, Mayo Clinic); PubMed 25078619 (cited by Mayo Clinic Laboratories, Mayo Clinic); PubMed 34426522 (cited by Mayo Clinic Laboratories, Mayo Clinic); PubMed 34758253 (cited by Mayo Clinic Laboratories, Mayo Clinic); PubMed 24988568 (cited by Women's Health and Genetics/Laboratory Corporation of America, LabCorp).